The following is an entry in ClinVar:

NM_003801.4(GPAA1):c.1523T>A (p.Leu508Gln)

Gene: GPAA1 (glycosylphosphatidylinositol anchor attachment 1; plus strand). Cytogenetic location: 8q24.3.
Variant type: single nucleotide variant.
Coding change: c.1523T>A on transcript NM_003801.4 (MANE Select); coding-DNA position 1523, T replaced by A.
Protein change: p.Leu508Gln; replaces leucine 508 with glutamine.
Molecular consequence: missense variant.
Genome position (GRCh38, 1-based): chr8:144,085,644, T>A. VCF-style: chr8-144085644-T-A. GRCh37 (hg19) VCF-style: chr8-145140547-T-A.
Other names: c.1523T>A (NM_003801.3); short protein forms L508Q.
Identifiers: ClinVar variation 1364618 (VCV001364618.7), dbSNP rs2129948416, ClinGen allele CA372506472.
Genomic context (GRCh38, chr8:144,085,644, plus strand): 5'-CACAGGCCCCAGACAGGGGCTGGATGGCACTGAAGCTGGTAGCCCTGATCTACCTAGCAC[T>A]GCAGCTGGGCTGCATCGCCCTCACCAACTTCTCACTGGGCTTCCTGCTGGCCACCACCAT-3'
Protein context (NP_003792.1, residues 498-518): LKLVALIYLA[Leu508Gln]QLGCIALTNF

ClinVar aggregate classification (germline): Uncertain significance. Review status: criteria provided, multiple submitters, no conflicts (2 of 4 stars). 2 submissions from 2 submitters: Uncertain significance (2). Last evaluated 2025-05-04.

Conditions:
Inborn genetic diseases. Identifiers: MedGen C0950123, MeSH D030342.

Submissions (2):

Ambry Genetics
Classification: Uncertain significance for Inborn genetic diseases. Last evaluated: 2025-05-04. Review status: criteria provided, single submitter. Criteria: Ambry Variant Classification Scheme 2023. Collection method: clinical testing. Allele origin: germline.

Labcorp Genetics (formerly Invitae), Labcorp
Classification: Uncertain significance. Last evaluated: 2021-08-14. Review status: criteria provided, single submitter. Criteria: Invitae Variant Classification Sherloc (09022015). Collection method: clinical testing. Allele origin: germline.
Comment: This sequence change replaces leucine with glutamine at codon 508 of the GPAA1 protein (p.Leu508Gln). The leucine residue is moderately conserved and there is a moderate physicochemical difference between leucine and glutamine. This variant is not present in population databases (ExAC no frequency). This variant has not been reported in the literature in individuals affected with GPAA1-related conditions. Algorithms developed to predict the effect of missense changes on protein structure and function are either unavailable or do not agree on the potential impact of this missense change (SIFT: "Deleterious"; PolyPhen-2: "Probably Damaging"; Align-GVGD: "Class C0"). In summary, the available evidence is currently insufficient to determine the role of this variant in disease. Therefore, it has been classified as a Variant of Uncertain Significance.